The following is an entry in ClinVar:

ClinVar aggregate classification (germline): Benign. Review status: criteria provided, multiple submitters, no conflicts (2 of 4 stars). 3 submissions from 2 submitters: Benign (3). Last evaluated 2018-01-13.

Conditions:
ALS2-related disorder. Also called: ALS2-related condition; ALS2-related disorders; ALS2-Related Spectrum Disorders. Identifiers: MedGen CN169291.
Amyotrophic lateral sclerosis type 2, juvenile. Also called: ALS, JUVENILE; Amyotrophic lateral sclerosis type 2. Identifiers: Orphanet 300605, MedGen C1859807, MONDO:0008780, OMIM 205100.

Allele frequency attached by ClinVar (database versions not stated): TOPMed 0.05344; gnomAD 0.05509 and 0.05836; gnomAD exomes 0.06481; 1000 Genomes Project 30x 0.08526; 1000 Genomes Project 0.08966.
gnomAD v4.1: 8,958 of 152,336 alleles (5.9%); highest among the groups gnomAD compares: East Asian, 24%; 373 homozygotes.

Submissions (3):

Illumina Laboratory Services, Illumina
Classification: Benign for Amyotrophic lateral sclerosis type 2. Last evaluated: 2018-01-13. Review status: criteria provided, single submitter. Criteria: ICSL Variant Classification Criteria 13 December 2019. Collection method: clinical testing. Allele origin: germline.
Comment: This variant was observed in the ICSL laboratory as part of a predisposition screen in an ostensibly healthy population. It had not been previously curated by ICSL or reported in the Human Gene Mutation Database (HGMD: prior to June 1st, 2018), and was therefore a candidate for classification through an automated scoring system. Utilizing variant allele frequency, disease prevalence and penetrance estimates, and inheritance mode, an automated score was calculated to assess if this variant is too frequent to cause the disease. Based on the score and internal cut-off values, a variant classified as benign is not then subjected to further curation. The score for this variant resulted in a classification of benign for this disease.

Illumina Laboratory Services, Illumina
Classification: Benign for ALS2-Related Disorders. Last evaluated: 2018-01-13. Review status: criteria provided, single submitter. Criteria: ICSL Variant Classification Criteria 13 December 2019. Collection method: clinical testing. Allele origin: germline.
Comment: the same text as in the submission from Illumina Laboratory Services, Illumina above.

Breakthrough Genomics
Classification: Benign. Review status: criteria provided, single submitter. Criteria: ACMG Guidelines, 2015. Collection method: not provided. Allele origin: germline. Inheritance: Autosomal recessive inheritance. Affected: yes.

NM_020919.4(ALS2):c.*893C>T

Gene: ALS2 (alsin Rho guanine nucleotide exchange factor ALS2; minus strand). Cytogenetic location: 2q33.1.
Variant type: single nucleotide variant.
Coding change: c.*893C>T on transcript NM_020919.4 (MANE Select); 893 bases downstream of the stop codon, C replaced by T.
Molecular consequence: 3 prime UTR variant.
Genome position (GRCh38, 1-based): chr2:201,700,958, G>A on the plus strand (C>T on the coding strand, the complement: ALS2 is on the minus strand). VCF-style: chr2-201700958-G-A. GRCh37 (hg19) VCF-style: chr2-202565681-G-A.
Identifiers: ClinVar variation 333577 (VCV000333577.6), dbSNP rs3219174, ClinGen allele CA10613861.